The following is an entry in ClinVar:

NM_020779.4(WDR35):c.761T>C (p.Met254Thr)

Gene: WDR35 (WD repeat domain 35; minus strand). Cytogenetic location: 2p24.1.
Variant type: single nucleotide variant.
Coding change: c.761T>C on transcript NM_020779.4 (MANE Select); coding-DNA position 761, T replaced by C.
Protein change: p.Met254Thr; replaces methionine 254 with threonine.
Molecular consequence: missense variant.
Genome position (GRCh38, 1-based): chr2:19,973,684, A>G on the plus strand (T>C on the coding strand, the complement: WDR35 is on the minus strand). VCF-style: chr2-19973684-A-G. GRCh37 (hg19) VCF-style: chr2-20173445-A-G.
Other names: c.761T>C, p.Met254Thr (NM_001006657.2); short protein forms M254T.
Identifiers: ClinVar variation 748629 (VCV000748629.15), dbSNP rs547986777, ClinGen allele CA1543437.

ClinVar aggregate classification (germline): Conflicting classifications of pathogenicity. Review status: criteria provided, conflicting classifications (1 of 4 stars). 3 submissions from 3 submitters: Uncertain significance (1); Benign (1); Likely benign (1). Last evaluated 2024-10-10.

Conditions:
Connective tissue disorder. Also called: Connective tissue disease. Identifiers: MedGen C0009782, MONDO:0003900.
Cranioectodermal dysplasia 2 (CED2). Identifiers: Orphanet 1515, MedGen C3150874, MONDO:0013323, OMIM 613610.
Short-rib thoracic dysplasia 7 with or without polydactyly (SRTD7). Also called: Short rib polydactyly syndrome 5; SHORT-RIB THORACIC DYSPLASIA 7 WITH POLYDACTYLY. Identifiers: Orphanet 498497, Orphanet 93271, MedGen C3279792, MONDO:0013569, OMIM 614091.

Allele frequency attached by ClinVar (database versions not stated): gnomAD 0.00001 and 0.00011; TOPMed 0.00001; gnomAD exomes 0.00020 and 0.00043; 1000 Genomes Project 30x 0.00031; 1000 Genomes Project 0.00040; ExAC 0.00050.

Submissions (3):

GeneDx
Classification: Uncertain significance. Last evaluated: 2024-10-10. Review status: criteria provided, single submitter. Criteria: GeneDx Variant Classification Process June 2021. Collection method: clinical testing. Allele origin: germline. Affected: yes.
Comment: In silico analysis supports that this missense variant has a deleterious effect on protein structure/function; Has not been previously published as pathogenic or benign to our knowledge

Labcorp Genetics (formerly Invitae), Labcorp
Classification: Likely benign for Cranioectodermal dysplasia 2; Short-rib thoracic dysplasia 7 with or without polydactyly. Last evaluated: 2024-04-17. Review status: criteria provided, single submitter. Criteria: Invitae Variant Classification Sherloc (09022015). Collection method: clinical testing. Allele origin: germline.

Genome Diagnostics Laboratory, The Hospital for Sick Children
Classification: Benign for Connective tissue disorder. Last evaluated: 2019-04-01. Review status: criteria provided, single submitter. Criteria: ACMG Guidelines, 2015. Collection method: clinical testing. Allele origin: germline.